The following is an entry in ClinVar:

NM_006576.4(AVIL):c.1239A>G (p.Gln413=)

Gene: AVIL (advillin; minus strand). Cytogenetic location: 12q14.1.
Variant type: single nucleotide variant.
Coding change: c.1239A>G on transcript NM_006576.4 (MANE Select); coding-DNA position 1239, A replaced by G.
Protein change: p.Gln413=; no amino-acid change (glutamine 413 retained).
Molecular consequence: synonymous variant.
Genome position (GRCh38, 1-based): chr12:57,807,683, T>C on the plus strand (A>G on the coding strand, the complement: AVIL is on the minus strand). VCF-style: chr12-57807683-T-C. GRCh37 (hg19) VCF-style: chr12-58201466-T-C.
Identifiers: ClinVar variation 3041006 (VCV003041006.2), dbSNP rs148660762, ClinGen allele CA6659890.

ClinVar aggregate classification (germline): Likely benign (0 of 4 stars; one submission).

Conditions:
AVIL-related disorder. Also called: AVIL-related condition.

Allele frequency attached by ClinVar (database versions not stated): gnomAD exomes 0.00007; ExAC 0.00020; 1000 Genomes Project 0.00040; 1000 Genomes Project 30x 0.00047; ESP Exome Variant Server 0.00069; gnomAD 0.00076; TOPMed 0.00079.
gnomAD v4.1: 221 of 1,614,146 alleles (0.014%); highest among the groups gnomAD compares: African/African-American, 0.27%; no homozygotes.

Submission:

PreventionGenetics, part of Exact Sciences
Classification: Likely benign for AVIL-related condition. Last evaluated: 2022-12-19. Review status: no assertion criteria provided. Collection method: clinical testing. Allele origin: germline.
Comment: This variant is classified as likely benign based on ACMG/AMP sequence variant interpretation guidelines (Richards et al. 2015 PMID: 25741868, with internal and published modifications).